The following is an entry in ClinVar:

ClinVar aggregate classification (germline): Conflicting classifications of pathogenicity. Review status: criteria provided, conflicting classifications (1 of 4 stars). 2 submissions from 2 submitters: Likely pathogenic (1); Uncertain significance (1). Last evaluated 2022-06-27.

Conditions:
CEP164-related disorder. Also called: CEP164-related condition.
Nephronophthisis 15 (NPHP15). Identifiers: Orphanet 3156, MedGen C3541853, MONDO:0013917, OMIM 614845.

Submissions (2):

Labcorp Genetics (formerly Invitae), Labcorp
Classification: Uncertain significance for Nephronophthisis 15. Last evaluated: 2022-06-27. Review status: criteria provided, single submitter. Criteria: Invitae Variant Classification Sherloc (09022015). Collection method: clinical testing. Allele origin: germline.
Comment: This sequence change creates a premature translational stop signal (p.Arg1422Leufs*7) in the CEP164 gene. However, it is currently unclear if variants that occur in this region of the gene cause disease. This variant is present in population databases (no rsID available, gnomAD 0.02%). This variant has not been reported in the literature in individuals affected with CEP164-related conditions. Experimental studies and prediction algorithms are not available or were not evaluated, and the functional significance of this variant is currently unknown. Algorithms developed to predict the effect of sequence changes on RNA splicing suggest that this variant may disrupt the consensus splice site. In summary, the available evidence is currently insufficient to determine the role of this variant in disease. Therefore, it has been classified as a Variant of Uncertain Significance.

Blueprint Genetics
Classification: Likely pathogenic for CEP164-related disorders. Last evaluated: 2019-06-20. Review status: criteria provided, single submitter. Criteria: ACMG Guidelines, 2015. Collection method: clinical testing. Allele origin: germline. Affected: yes. Observed: 1 variant allele.

NM_014956.5(CEP164):c.4264_4265insTGGTAAC (p.Arg1422fs)

Gene: CEP164 (centrosomal protein 164; plus strand). Cytogenetic location: 11q23.3.
Variant type: Insertion.
Coding change: c.4264_4265insTGGTAAC on transcript NM_014956.5 (MANE Select); coding-DNA positions 4264 to 4265, TGGTAAC inserted.
Protein change: p.Arg1422fs; shifts the reading frame from arginine 1422.
Molecular consequence: frameshift variant.
Genome position: GRCh38 VCF-style: chr11-117411892-G-GAACTGGT. GRCh37 (hg19) VCF-style: chr11-117282608-G-GAACTGGT.
Other names: c.4249_4250insTGGTAAC, p.Arg1417fs (NM_001271933.2); short protein forms R1417fs, R1422fs.
Identifiers: ClinVar variation 2202328 (VCV002202328.5), dbSNP rs1286687599, ClinGen allele CA601844214.